The following is an entry in ClinVar:

ClinVar aggregate classification (germline): Uncertain significance (1 of 4 stars; one submission).

Conditions:
Inborn genetic diseases. Identifiers: MedGen C0950123, MeSH D030342.

Submission:

Ambry Genetics
Classification: Uncertain significance for Inborn genetic diseases. Last evaluated: 2026-06-22. Review status: criteria provided, single submitter. Criteria: Ambry Variant Classification Scheme 2023. Collection method: clinical testing. Allele origin: germline.
Comment: The p.P81L variant (also known as c.242C>T), located in coding exon 3 of the ETV6 gene, results from a C to T substitution at nucleotide position 242. The proline at codon 81 is replaced by leucine, an amino acid with similar properties. This amino acid position is conserved. In addition, the in silico prediction for this alteration is inconclusive. Based on the available evidence, the clinical significance of this variant remains unclear.

NM_001987.5(ETV6):c.242C>T (p.Pro81Leu)

Genes: ETV6 (ETS variant transcription factor 6; plus strand), LOC126861451 (BRD4-independent group 4 enhancer GRCh37_chr12:11991350-11992549; plus strand). Cytogenetic location: 12p13.2.
Variant type: single nucleotide variant.
Coding change: c.242C>T on transcript NM_001987.5 (MANE Select); coding-DNA position 242, C replaced by T.
Protein change: p.Pro81Leu; replaces proline 81 with leucine.
Molecular consequence: missense variant. On other transcripts: 5 prime UTR variant (1).
Genome position (GRCh38, 1-based): chr12:11,839,218, C>T. VCF-style: chr12-11839218-C-T. GRCh37 (hg19) VCF-style: chr12-11992152-C-T.
Other names: c.239C>T, p.Pro80Leu (NM_001413913.1); c.215C>T, p.Pro72Leu (NM_001413914.1); c.-23C>T (NM_001413915.1); c.242C>T, p.Pro81Leu (NM_001413916.1, NM_001413917.1, NM_001413918.1); short protein forms P72L, P80L, P81L.
Identifiers: ClinVar variation 5036148 (VCV005036148.1).